The following is an entry in ClinVar:

NM_213599.3(ANO5):c.2591G>T (p.Arg864Ile)

Gene: ANO5 (anoctamin 5; plus strand). Cytogenetic location: 11p14.3.
Variant type: single nucleotide variant.
Coding change: c.2591G>T on transcript NM_213599.3 (MANE Select); coding-DNA position 2591, G replaced by T.
Protein change: p.Arg864Ile; replaces arginine 864 with isoleucine.
Molecular consequence: missense variant.
Genome position (GRCh38, 1-based): chr11:22,279,614, G>T. VCF-style: chr11-22279614-G-T. GRCh37 (hg19) VCF-style: chr11-22301160-G-T.
Other names: c.2588G>T, p.Arg863Ile (NM_001142649.2); short protein forms R863I, R864I.
Identifiers: ClinVar variation 1051535 (VCV001051535.9), dbSNP rs1854998392, ClinGen allele CA379924996.

ClinVar aggregate classification (germline): Uncertain significance (1 of 4 stars; one submission).

Conditions:
Autosomal recessive limb-girdle muscular dystrophy type 2L (LGMDR12). Also called: Limb-girdle muscular dystrophy, type 2L; MUSCULAR DYSTROPHY, LIMB-GIRDLE, AUTOSOMAL RECESSIVE 12; Limb-Girdle Muscular Dystrophy R12 Anoctamin-5-Related (LGMD-R12). Identifiers: Orphanet 206549, MedGen C1969785, MONDO:0012652, OMIM 611307.
Gnathodiaphyseal dysplasia (GDD). Also called: OSTEOGENESIS IMPERFECTA WITH UNUSUAL SKELETAL LESIONS; GNATHODIAPHYSEAL SCLEROSIS. Identifiers: Orphanet 53697, MedGen C1833736, MONDO:0008151, OMIM 166260.

Submission:

Labcorp Genetics (formerly Invitae), Labcorp
Classification: Uncertain significance for Autosomal recessive limb-girdle muscular dystrophy type 2L; Gnathodiaphyseal dysplasia. Last evaluated: 2022-06-20. Review status: criteria provided, single submitter. Criteria: Invitae Variant Classification Sherloc (09022015). Collection method: clinical testing. Allele origin: germline.
Comment: This variant is not present in population databases (gnomAD no frequency). This variant has not been reported in the literature in individuals affected with ANO5-related conditions. ClinVar contains an entry for this variant (Variation ID: 1051535). Advanced modeling of protein sequence and biophysical properties (such as structural, functional, and spatial information, amino acid conservation, physicochemical variation, residue mobility, and thermodynamic stability) performed at Invitae indicates that this missense variant is expected to disrupt ANO5 protein function. In summary, the available evidence is currently insufficient to determine the role of this variant in disease. Therefore, it has been classified as a Variant of Uncertain Significance. This sequence change replaces arginine, which is basic and polar, with isoleucine, which is neutral and non-polar, at codon 864 of the ANO5 protein (p.Arg864Ile).